The following is an entry in ClinVar:

NM_025114.4(CEP290):c.4C>T (p.Pro2Ser)

Gene: CEP290 (centrosomal protein 290; minus strand). Cytogenetic location: 12q21.32.
Variant type: single nucleotide variant.
Coding change: c.4C>T on transcript NM_025114.4 (MANE Select); coding-DNA position 4, C replaced by T.
Protein change: p.Pro2Ser; replaces proline 2 with serine.
Molecular consequence: missense variant.
Genome position (GRCh38, 1-based): chr12:88,141,304, G>A on the plus strand (C>T on the coding strand, the complement: CEP290 is on the minus strand). VCF-style: chr12-88141304-G-A. GRCh37 (hg19) VCF-style: chr12-88535081-G-A.
Other names: short protein forms P2S.
Identifiers: ClinVar variation 421994 (VCV000421994.10), dbSNP rs1064795491, ClinGen allele CA16619603.

ClinVar aggregate classification (germline): Uncertain significance. Review status: criteria provided, multiple submitters, no conflicts (2 of 4 stars). 4 submissions from 4 submitters: Uncertain significance (2). 2 of the submissions do not count toward it. Last evaluated 2021-09-02.

Conditions:
CEP290-related disorder. Also called: CEP290-related condition; CEP290-related disorders. Identifiers: MedGen CN239314.
Meckel-Gruber syndrome. Also called: Dysencephalia splachnocystica; GRUBER SYNDROME; DYSENCEPHALIA SPLANCHNOCYSTICA. Identifiers: Orphanet 564, MedGen C0265215, MONDO:0018921.
Nephronophthisis. Also called: Juvenile Nephronophthisis. Identifiers: Orphanet 655, MedGen C0687120, MONDO:0019005, HP:0000090.
Joubert syndrome. Also called: JOUBERT-BOLTSHAUSER SYNDROME; Familial aplasia of the vermis; CEREBELLOPARENCHYMAL DISORDER IV. Identifiers: Orphanet 475, MedGen C5979921, MONDO:0018772.
Leber congenital amaurosis (LCA). Also called: Leber's amaurosis. Identifiers: Orphanet 65, MedGen C0339527, MeSH D057130, MONDO:0018998.

Allele frequency attached by ClinVar (database versions not stated): TOPMed below 0.00001; gnomAD 0.00001.
gnomAD v4.1: 9 of 1,607,958 alleles (0.00056%); highest among the groups gnomAD compares: Non-Finnish European, 0.00076%; no homozygotes.

Submissions (4):

Labcorp Genetics (formerly Invitae), Labcorp
Classification: Uncertain significance for Joubert syndrome; Meckel-Gruber syndrome; Nephronophthisis. Last evaluated: 2021-09-02. Review status: criteria provided, single submitter. Criteria: Invitae Variant Classification Sherloc (09022015). Collection method: clinical testing. Allele origin: germline.
Comment: This sequence change replaces proline with serine at codon 2 of the CEP290 protein (p.Pro2Ser). The proline residue is moderately conserved and there is a moderate physicochemical difference between proline and serine. This variant is not present in population databases (ExAC no frequency). This variant has not been reported in the literature in individuals affected with CEP290-related conditions. ClinVar contains an entry for this variant (Variation ID: 421994). Algorithms developed to predict the effect of missense changes on protein structure and function output the following: SIFT: "Tolerated"; PolyPhen-2: "Benign"; Align-GVGD: "Class C0". The serine amino acid residue is found in multiple mammalian species, which suggests that this missense change does not adversely affect protein function. In summary, the available evidence is currently insufficient to determine the role of this variant in disease. Therefore, it has been classified as a Variant of Uncertain Significance.

GeneDx
Classification: Uncertain significance. Last evaluated: 2017-04-11. Review status: criteria provided, single submitter. Criteria: GeneDx Variant Classification (06012015). Collection method: clinical testing. Allele origin: germline. Affected: yes.
Comment: The P2S variant in the CEP290 gene has not been reported previously as a pathogenic variant, nor as a benign variant, to our knowledge. The P2S variant was not observed in approximately 5900 individuals of European and African American ancestry in the NHLBI Exome Sequencing Project, indicating it is not a common benign variant in these populations. The P2S variant is a non-conservative amino acid substitution, which is likely to impact secondary protein structure as these residues differ in polarity, charge, size and/or other properties. This substitution occurs at a position that is not conserved. In silico analysis is inconsistent in its predictions as to whether or not the variant is damaging to the protein structure/function. We interpret P2S as a variant of uncertain significance.

PreventionGenetics, part of Exact Sciences
Classification: Uncertain significance for CEP290-related condition. Last evaluated: 2023-12-21. Review status: no assertion criteria provided. Collection method: clinical testing. Allele origin: germline. Not counted in ClinVar's aggregate classification.
Comment: The CEP290 c.4C>T variant is predicted to result in the amino acid substitution p.Pro2Ser. To our knowledge, this variant has not been reported in the literature. This variant is reported in 0.0018% of alleles in individuals of European (Non-Finnish) descent in gnomAD. At this time, the clinical significance of this variant is uncertain due to the absence of conclusive functional and genetic evidence.

Natera, Inc.
Classification: Uncertain significance for Leber congenital amaurosis. Last evaluated: 2019-10-28. Review status: no assertion criteria provided. Collection method: clinical testing. Allele origin: germline. Not counted in ClinVar's aggregate classification.